The following is an entry in ClinVar:

NM_001010870.3(TDRD6):c.2962G>T (p.Glu988Ter)

Gene: TDRD6 (tudor domain containing 6; plus strand). Cytogenetic location: 6p12.3.
Variant type: single nucleotide variant.
Coding change: c.2962G>T on transcript NM_001010870.3 (MANE Select); coding-DNA position 2962, G replaced by T.
Protein change: p.Glu988Ter; replaces glutamic acid 988 with a stop codon.
Molecular consequence: nonsense.
Genome position (GRCh38, 1-based): chr6:46,691,090, G>T. VCF-style: chr6-46691090-G-T. GRCh37 (hg19) VCF-style: chr6-46658827-G-T.
Other names: c.2962G>T, p.Glu988Ter (NM_001168359.2); short protein forms E988*.
Identifiers: ClinVar variation 4533385 (VCV004533385.1).

ClinVar aggregate classification (germline): Pathogenic (1 of 4 stars; one submission).

Conditions:
Male infertility. Identifiers: MedGen C0021364, MeSH D007248, MONDO:0005372, HP:0003251.

gnomAD v4.1: 5 of 1,613,752 alleles (0.00031%); highest among the groups gnomAD compares: Non-Finnish European, 0.00042%; no homozygotes.

Submission:

Institute of Reproductive Genetics, University of Münster
Classification: Pathogenic for Male infertility. Last evaluated: 2025-12-03. Review status: criteria provided, single submitter. Criteria: Uk Practice Guidelines For Variant Classification V4 01 2020. Collection method: research. Allele origin: germline. Affected: yes. Observed: 1 variant allele.
Comment: The NM_001010870.3:c.2962G>T, is a stop-gain variant in TDRD6 which results in the insertion of a premature stop codon at position 988 (PVS1). This variant is rare in gnomAD (PM2_sup); version 4.1.1. In summary, these variant meets criteria to be classified as pathogenic for male infertility based on the ACMG/ criteria applied, as specified by the UK Best Practice Guidelines for variant classification (PVS1, PM2_sup, PM3).